The following is an entry in ClinVar:

ClinVar aggregate classification (germline): Benign (1 of 4 stars; one submission).

Allele frequency attached by ClinVar (database versions not stated): 1000 Genomes Project 0.08087; TOPMed 0.08355; 1000 Genomes Project 30x 0.08526; gnomAD 0.08609 and 0.08691.
gnomAD v4.1: 83,271 of 1,112,348 alleles (7.5%); highest among the groups gnomAD compares: African/African-American, 13%; 3,798 homozygotes.

Submission:

GeneDx
Classification: Benign. Last evaluated: 2018-06-14. Review status: criteria provided, single submitter. Criteria: GeneDx Variant Classification (06012015). Collection method: clinical testing. Allele origin: germline. Affected: yes.
Comment: This variant is considered likely benign or benign based on one or more of the following criteria: it is a conservative change, it occurs at a poorly conserved position in the protein, it is predicted to be benign by multiple in silico algorithms, and/or has population frequency not consistent with disease.

NM_004519.4(KCNQ3):c.777+121C>T

Gene: KCNQ3 (potassium voltage-gated channel subfamily Q member 3; minus strand). Cytogenetic location: 8q24.22.
Variant type: single nucleotide variant.
Coding change: c.777+121C>T on transcript NM_004519.4 (MANE Select); 121 bases into the intron after coding-DNA position 777, C replaced by T.
Molecular consequence: intron variant.
Genome position (GRCh38, 1-based): chr8:132,180,036, G>A on the plus strand (C>T on the coding strand, the complement: KCNQ3 is on the minus strand). VCF-style: chr8-132180036-G-A. GRCh37 (hg19) VCF-style: chr8-133192283-G-A.
Other names: c.417+121C>T (NM_001204824.2).
Identifiers: ClinVar variation 682067 (VCV000682067.1), dbSNP rs41272385, ClinGen allele CA186223946.